The following is an entry in ClinVar:

ClinVar aggregate classification (germline): Uncertain significance (1 of 4 stars; one submission).

Conditions:
Emery-Dreifuss muscular dystrophy 4, autosomal dominant (EDMD4). Also called: EMERY-DREIFUSS MUSCULAR DYSTROPHY 4 WITH VARIABLE FEATURES. Identifiers: Orphanet 261, MedGen C2751807, MONDO:0013071, OMIM 612998.
Autosomal recessive ataxia, Beauce type. Also called: SYNE1 Deficiency; Spinocerebellar ataxia, autosomal recessive 8; ATAXIA, RECESSIVE, OF BEAUCE; SYNE1-Related Autosomal Recessive Cerebellar Ataxia. Identifiers: Orphanet 88644, MedGen C1853116, MONDO:0012549, OMIM 610743.

Submission:

Labcorp Genetics (formerly Invitae), Labcorp
Classification: Uncertain significance for Emery-Dreifuss muscular dystrophy 4, autosomal dominant; Autosomal recessive ataxia, Beauce type. Last evaluated: 2022-06-04. Review status: criteria provided, single submitter. Criteria: Invitae Variant Classification Sherloc (09022015). Collection method: clinical testing. Allele origin: germline.
Comment: In summary, the available evidence is currently insufficient to determine the role of this variant in disease. Therefore, it has been classified as a Variant of Uncertain Significance. Algorithms developed to predict the effect of missense changes on protein structure and function (SIFT, PolyPhen-2, Align-GVGD) all suggest that this variant is likely to be disruptive. This variant has not been reported in the literature in individuals affected with SYNE1-related conditions. This variant is not present in population databases (gnomAD no frequency). This sequence change replaces lysine, which is basic and polar, with asparagine, which is neutral and polar, at codon 6364 of the SYNE1 protein (p.Lys6364Asn).

NM_182961.4(SYNE1):c.19305G>C (p.Lys6435Asn)

Gene: SYNE1 (spectrin repeat containing nuclear envelope protein 1; minus strand). Cytogenetic location: 6q25.2.
Variant type: single nucleotide variant.
Coding change: c.19305G>C on transcript NM_182961.4 (MANE Select); coding-DNA position 19305, G replaced by C.
Protein change: p.Lys6435Asn; replaces lysine 6435 with asparagine.
Molecular consequence: missense variant.
Genome position (GRCh38, 1-based): chr6:152,255,045, C>G on the plus strand (G>C on the coding strand, the complement: SYNE1 is on the minus strand). VCF-style: chr6-152255045-C-G. GRCh37 (hg19) VCF-style: chr6-152576180-C-G.
Other names: c.19092G>C, p.Lys6364Asn (NM_033071.5); short protein forms K6364N, K6435N.
Identifiers: ClinVar variation 2054509 (VCV002054509.4), dbSNP rs2551846537, ClinGen allele CA366136594.